The following is an entry in ClinVar:

NM_017617.5(NOTCH1):c.2969+13C>T

Gene: NOTCH1 (notch receptor 1; minus strand). Cytogenetic location: 9q34.3.
Variant type: single nucleotide variant.
Coding change: c.2969+13C>T on transcript NM_017617.5 (MANE Select); 13 bases into the intron after coding-DNA position 2969, C replaced by T.
Molecular consequence: intron variant.
Genome position (GRCh38, 1-based): chr9:136,509,720, G>A on the plus strand (C>T on the coding strand, the complement: NOTCH1 is on the minus strand). VCF-style: chr9-136509720-G-A. GRCh37 (hg19) VCF-style: chr9-139404172-G-A.
Other names: c.2969+13C>T (NM_017617.4, LRG_1122t1).
Identifiers: ClinVar variation 506655 (VCV000506655.10), dbSNP rs7864720, ClinGen allele CA5341101.

ClinVar aggregate classification (germline): Benign. Review status: criteria provided, multiple submitters, no conflicts (2 of 4 stars). 5 submissions from 4 submitters: Benign (5). Last evaluated 2026-02-04.

Conditions:
Adams-Oliver syndrome 5 (AOS5). Identifiers: Orphanet 974, MedGen C4014970, MONDO:0014459, OMIM 616028.
Aortic valve disease 1 (AOVD1). Identifiers: MedGen C3887892, MONDO:0024523, OMIM 109730.

Allele frequency attached by ClinVar (database versions not stated): gnomAD exomes 0.00179; ExAC 0.00223; 1000 Genomes Project 30x 0.00703; gnomAD 0.00727 and 0.00778; ESP Exome Variant Server 0.00749; 1000 Genomes Project 0.00779; TOPMed 0.00832.
gnomAD v4.1: 2,273 of 1,610,910 alleles (0.14%); highest among the groups gnomAD compares: African/African-American, 2.5%; 37 homozygotes.

Submissions (5):

Labcorp Genetics (formerly Invitae), Labcorp
Classification: Benign for Adams-Oliver syndrome 5. Last evaluated: 2026-02-04. Review status: criteria provided, single submitter. Criteria: Invitae Variant Classification Sherloc (09022015). Collection method: clinical testing. Allele origin: germline.

Women's Health and Genetics/Laboratory Corporation of America, LabCorp
Classification: Benign. Last evaluated: 2023-07-21. Review status: criteria provided, single submitter. Criteria: LabCorp Variant Classification Summary - May 2015. Collection method: clinical testing. Allele origin: germline.

Genome-Nilou Lab
Classification: Benign for Adams-Oliver syndrome 5. Last evaluated: 2022-03-15. Review status: criteria provided, single submitter. Criteria: ACMG Guidelines, 2015. Collection method: clinical testing. Allele origin: germline. Affected: no.

Genome-Nilou Lab
Classification: Benign for Aortic valve disease 1. Last evaluated: 2022-03-15. Review status: criteria provided, single submitter. Criteria: ACMG Guidelines, 2015. Collection method: clinical testing. Allele origin: germline. Affected: no.

GeneDx
Classification: Benign. Last evaluated: 2017-01-30. Review status: criteria provided, single submitter. Criteria: GeneDx Variant Classification (06012015). Collection method: clinical testing. Allele origin: germline. Affected: yes.
Comment: This variant is considered likely benign or benign based on one or more of the following criteria: it is a conservative change, it occurs at a poorly conserved position in the protein, it is predicted to be benign by multiple in silico algorithms, and/or has population frequency not consistent with disease.

Literature cited by the submitters: PubMed 16614245 (cited by Women's Health and Genetics/Laboratory Corporation of America, LabCorp); PubMed 19635999 (cited by Women's Health and Genetics/Laboratory Corporation of America, LabCorp); PubMed 19245433 (cited by Women's Health and Genetics/Laboratory Corporation of America, LabCorp); PubMed 22858860 (cited by Women's Health and Genetics/Laboratory Corporation of America, LabCorp).